The following is an entry in ClinVar:

ClinVar aggregate classification (germline): Uncertain significance (1 of 4 stars; one submission).

Conditions:
Renal cell carcinoma. Identifiers: Orphanet 217071, MedGen C0007134, MeSH D002292, MONDO:0005086, HP:0005584.

Submission:

Labcorp Genetics (formerly Invitae), Labcorp
Classification: Uncertain significance for Renal cell carcinoma. Last evaluated: 2022-09-22. Review status: criteria provided, single submitter. Criteria: Invitae Variant Classification Sherloc (09022015). Collection method: clinical testing. Allele origin: germline.
Comment: In summary, the available evidence is currently insufficient to determine the role of this variant in disease. Therefore, it has been classified as a Variant of Uncertain Significance. Advanced modeling of protein sequence and biophysical properties (such as structural, functional, and spatial information, amino acid conservation, physicochemical variation, residue mobility, and thermodynamic stability) performed at Invitae indicates that this missense variant is not expected to disrupt MET protein function. This variant has not been reported in the literature in individuals affected with MET-related conditions. This variant is not present in population databases (gnomAD no frequency). This sequence change replaces phenylalanine, which is neutral and non-polar, with tyrosine, which is neutral and polar, at codon 195 of the MET protein (p.Phe195Tyr).

NM_000245.4(MET):c.584T>A (p.Phe195Tyr)

Gene: MET (MET proto-oncogene, receptor tyrosine kinase; plus strand). Cytogenetic location: 7q31.2.
Variant type: single nucleotide variant.
Coding change: c.584T>A on transcript NM_000245.4 (MANE Select); coding-DNA position 584, T replaced by A.
Protein change: p.Phe195Tyr; replaces phenylalanine 195 with tyrosine.
Molecular consequence: missense variant. On other transcripts: intron variant (1).
Genome position (GRCh38, 1-based): chr7:116,699,668, T>A. VCF-style: chr7-116699668-T-A. GRCh37 (hg19) VCF-style: chr7-116339722-T-A.
Other names: c.584T>A, p.Phe195Tyr (NM_001127500.3, NM_001324401.3); c.-91+27091T>A (NM_001324402.2); short protein forms F195Y.
Identifiers: ClinVar variation 1720048 (VCV001720048.5), dbSNP rs2116592569, ClinGen allele CA368969399.